The following is an entry in ClinVar:

ClinVar aggregate classification (germline): Uncertain significance (1 of 4 stars; one submission).

Conditions:
Early-infantile DEE. Also called: Early infantile epileptic encephalopathy; Early infantile epileptic encephalopathy with suppression bursts; Ohtahara syndrome. Identifiers: Orphanet 1934, MedGen C0393706, MONDO:0800491.

Allele frequency attached by ClinVar (database versions not stated): gnomAD exomes below 0.00001; TOPMed below 0.00001; ESP Exome Variant Server 0.00009.

Submission:

Labcorp Genetics (formerly Invitae), Labcorp
Classification: Uncertain significance for Early-infantile DEE. Last evaluated: 2024-08-05. Review status: criteria provided, single submitter. Criteria: Invitae Variant Classification Sherloc (09022015). Collection method: clinical testing. Allele origin: germline.
Comment: This sequence change results in a frameshift in the SCN8A gene (p.Lys1957Thrfs*41). While this is not anticipated to result in nonsense mediated decay, it is expected to disrupt the last 24 amino acid(s) of the SCN8A protein and extend the protein by 16 additional amino acid residues. This variant is not present in population databases (gnomAD no frequency). This variant has not been reported in the literature in individuals affected with SCN8A-related conditions. ClinVar contains an entry for this variant (Variation ID: 1480700). Experimental studies and prediction algorithms are not available or were not evaluated, and the functional significance of this variant is currently unknown. In summary, the available evidence is currently insufficient to determine the role of this variant in disease. Therefore, it has been classified as a Variant of Uncertain Significance.

NM_001330260.2(SCN8A):c.5869_5870insC (p.Lys1957fs)

Gene: SCN8A (sodium voltage-gated channel alpha subunit 8; plus strand). Cytogenetic location: 12q13.13.
Variant type: Insertion.
Coding change: c.5869_5870insC on transcript NM_001330260.2 (MANE Select); coding-DNA positions 5869 to 5870, C inserted.
Protein change: p.Lys1957fs; shifts the reading frame from lysine 1957.
Molecular consequence: frameshift variant.
Genome position: GRCh38 VCF-style: chr12-51807355-A-AC. GRCh37 (hg19) VCF-style: chr12-52201139-A-AC.
Other names: c.5746_5747insC, p.Lys1916fs (NM_001177984.3, NM_001369788.1); c.5869_5870insC, p.Lys1957fs (NM_014191.4); short protein forms K1957fs, K1916fs.
Identifiers: ClinVar variation 1480700 (VCV001480700.7), dbSNP rs867485612, ClinGen allele CA236327948.
Genomic context (GRCh38, chr12:51,807,355, plus strand): 5'-AGCACCCCATCTACAGCCTCCCTCCCGTCCTATGACAGTGTAACTAAACCTGAAAAGGAG[A>AC]AACAGCAGCGGGCAGAGGAAGGAAGAAGGGAAAGAGCCAAAAGACAAAAAGAGGTCAGAG-3'